The following is an entry in ClinVar:

ClinVar aggregate classification (germline): Conflicting classifications of pathogenicity. Review status: criteria provided, conflicting classifications (1 of 4 stars). 2 submissions from 2 submitters: Uncertain significance (1); Benign (1). Last evaluated 2024-03-31.

Conditions:
Kleefstra syndrome 1 (KLEFS1). Identifiers: Orphanet 261494, MedGen C0795833, MONDO:0027407, OMIM 610253.

Allele frequency attached by ClinVar (database versions not stated): ExAC 0.00002; ESP Exome Variant Server 0.00008.
gnomAD v4.1: 25 of 1,614,066 alleles (0.0015%); highest among the groups gnomAD compares: Non-Finnish European, 0.002%; no homozygotes.

Submissions (2):

Labcorp Genetics (formerly Invitae), Labcorp
Classification: Benign for Kleefstra syndrome 1. Last evaluated: 2024-03-31. Review status: criteria provided, single submitter. Criteria: Invitae Variant Classification Sherloc (09022015). Collection method: clinical testing. Allele origin: germline.

GeneDx
Classification: Uncertain significance. Last evaluated: 2023-02-03. Review status: criteria provided, single submitter. Criteria: GeneDx Variant Classification Process June 2021. Collection method: clinical testing. Allele origin: germline. Affected: yes.
Comment: Not observed at significant frequency in large population cohorts (gnomAD); In silico analysis supports that this missense variant does not alter protein structure/function; Has not been previously published as pathogenic or benign to our knowledge

NM_024757.5(EHMT1):c.1896G>T (p.Glu632Asp)

Gene: EHMT1 (euchromatic histone lysine methyltransferase 1; plus strand). Cytogenetic location: 9q34.3.
Variant type: single nucleotide variant.
Coding change: c.1896G>T on transcript NM_024757.5 (MANE Select); coding-DNA position 1896, G replaced by T.
Protein change: p.Glu632Asp; replaces glutamic acid 632 with aspartic acid.
Molecular consequence: missense variant.
Genome position (GRCh38, 1-based): chr9:137,776,722, G>T. VCF-style: chr9-137776722-G-T. GRCh37 (hg19) VCF-style: chr9-140671174-G-T.
Other names: c.1896G>T, p.Glu632Asp (NM_001145527.2); c.1803G>T, p.Glu601Asp (NM_001354259.2); c.1875G>T, p.Glu625Asp (NM_001354263.2); short protein forms E601D, E625D, E632D.
Identifiers: ClinVar variation 2575041 (VCV002575041.4), dbSNP rs372514557, ClinGen allele CA5374754.